The following is an entry in ClinVar:

NM_174936.4(PCSK9):c.207G>A (p.Lys69=)

Gene: PCSK9 (proprotein convertase subtilisin/kexin type 9; plus strand). Cytogenetic location: 1p32.3.
Variant type: single nucleotide variant.
Coding change: c.207G>A on transcript NM_174936.4 (MANE Select); coding-DNA position 207, G replaced by A.
Protein change: p.Lys69=; no amino-acid change (lysine 69 retained).
Molecular consequence: synonymous variant.
Genome position (GRCh38, 1-based): chr1:55,040,044, G>A. VCF-style: chr1-55040044-G-A. GRCh37 (hg19) VCF-style: chr1-55505717-G-A.
Identifiers: ClinVar variation 927183 (VCV000927183.3), dbSNP rs1644587403, ClinGen allele CA417957458.

ClinVar aggregate classification (germline): Uncertain significance (1 of 4 stars; one submission).

Conditions:
Familial hypercholesterolemia. Also called: Familial hypercholesterolaemia. Identifiers: MedGen C0020445, MONDO:0005439.

Submission:

Color Diagnostics, LLC DBA Color Health
Classification: Uncertain significance for Familial hypercholesterolemia. Last evaluated: 2018-12-31. Review status: criteria provided, single submitter. Criteria: ACMG Guidelines, 2015. Collection method: clinical testing. Allele origin: germline.
Comment: Variant of Uncertain Significance due to insufficient evidence: This synonymous variant does not change the amino acid sequence of the PCSK9 protein. However, computational splicing tools suggest that this variant may disrupt RNA splicing. To our knowledge, RNA studies have not been performed to investigate this prediction. This variant has not been reported in individuals affected with familial hypercholesterolemia in the literature. This variant is rare in the general population and has been identified in 0/277264 chromosomes in the general population by the Genome Aggregation Database (gnomAD). Available evidence is insufficient to determine the role of this variant in disease conclusively.